The following is an entry in ClinVar:

NM_001007553.3(CSDE1):c.2336C>G (p.Pro779Arg)

Gene: CSDE1 (cold shock domain containing E1; minus strand). Cytogenetic location: 1p13.2.
Variant type: single nucleotide variant.
Coding change: c.2336C>G on transcript NM_001007553.3 (MANE Select); coding-DNA position 2336, C replaced by G.
Protein change: p.Pro779Arg; replaces proline 779 with arginine.
Molecular consequence: missense variant.
Genome position (GRCh38, 1-based): chr1:114,718,626, G>C on the plus strand (C>G on the coding strand, the complement: CSDE1 is on the minus strand). VCF-style: chr1-114718626-G-C. GRCh37 (hg19) VCF-style: chr1-115261247-G-C.
Other names: c.2381C>G, p.Pro794Arg (NM_001130523.3); c.2474C>G, p.Pro825Arg (NM_001242891.2); c.2336C>G, p.Pro779Arg (NM_001242892.2); c.2243C>G, p.Pro748Arg (NM_001242893.2, NM_007158.6); short protein forms P748R, P779R, P794R, P825R.
Identifiers: ClinVar variation 1696729 (VCV001696729.1), dbSNP rs2101002680, ClinGen allele CA341744792.
Genomic context (GRCh38, chr1:114,718,626, plus strand): 5'-TGTTGGTCTATCAGTTGGCCTCCCCCAAGCCTTGTATGCCCTCATACCATTGAGTTATCT[G>C]GTCCCCTTGGCTGACGAAGAACCATTAGGCGAGGAGCACTGGCATCATCCAGAGTGATAT-3'
Protein context (NP_001007554.1, residues 769-789): RLMVLRQPRG[Pro779Arg]DNSMGFGAER

ClinVar aggregate classification (germline): Uncertain significance (1 of 4 stars; one submission).

Conditions:
CSDE1-associated neurodevelopmental disorder.

Submission:

New York Genome Center
Classification: Uncertain significance for CSDE1-associated neurodevelopmental disorder. Last evaluated: 2021-06-11. Review status: criteria provided, single submitter. Criteria: NYGC Assertion Criteria 2020. Collection method: clinical testing. Allele origin: de novo. Observed: 1 heterozygote. Study: CSER-NYCKidSeq.
Comment: The de novo c.2336C>G (p.Pro779Arg) variant identified in the CSDE1 gene substitutes a very well conserved Proline for Arginine at amino acid779/799 (exon 19/20). This variant is absent from gnomAD(v3.1.1) suggesting it is not a common benign variant in the populations represented in that database. In silico algorithms predict this variant to be Damaging (SIFT; score:0.00) and Pathogenic (REVEL; score:0.758) to the function of the canonical transcript. This variant is absent from ClinVar and to our current knowledge has not been reported in affected individuals in the literature. The full phenotypic and genotypic spectrum of CSDE1-associated neurodevelopmental syndrome has yet to be elucidated, however to date only nonsense, frameshift, and canonical splice variants have been reported. Given this, the c.2336C>G (p.Pro779Arg) variant is currently classified as a Variant of Uncertain Significance.